The following is an entry in ClinVar:

NM_020975.6(RET):c.224C>T (p.Thr75Met)

Gene: RET (ret proto-oncogene; plus strand). Cytogenetic location: 10q11.21.
Variant type: single nucleotide variant.
Coding change: c.224C>T on transcript NM_020975.6 (MANE Select); coding-DNA position 224, C replaced by T.
Protein change: p.Thr75Met; replaces threonine 75 with methionine.
Molecular consequence: missense variant.
Genome position (GRCh38, 1-based): chr10:43,100,609, C>T. VCF-style: chr10-43100609-C-T. GRCh37 (hg19) VCF-style: chr10-43596057-C-T.
Other names: c.224C>T, p.Thr75Met (NM_000323.2, NM_001406743.1, NM_001406744.1 and 34 more transcripts); c.224C>T (NM_020630.5); short protein forms T75M.
Identifiers: ClinVar variation 569870 (VCV000569870.27), dbSNP rs142641173, ClinGen allele CA038004.

ClinVar aggregate classification (germline): Conflicting classifications of pathogenicity. Review status: criteria provided, conflicting classifications (1 of 4 stars). 10 submissions from 10 submitters: Uncertain significance (8); Benign (1); Likely benign (1). Last evaluated 2026-10-01.

Conditions:
Ovarian cancer. Also called: OVARIAN CANCER, SOMATIC. Identifiers: Orphanet 213500, MedGen C1140680, MONDO:0008170, OMIM 167000.
Multiple endocrine neoplasia, type 2 (MEN2). Identifiers: Orphanet 653, MedGen C4048306, MONDO:0019003. Disease mechanism: gain of function.
Multiple endocrine neoplasia type 2A. Also called: Multiple Endocrine Neoplasia Type 2A (MEN2A); MULTIPLE ENDOCRINE NEOPLASIA, TYPE IIA; PTC SYNDROME; SIPPLE SYNDROME; MEN 2A; MEN-2A syndrome. Identifiers: Orphanet 247698, Orphanet 653, MedGen C0025268, MeSH D018813, MONDO:0008234, OMIM 171400.
Hereditary cancer-predisposing syndrome. Also called: Hereditary Cancer Syndrome; Neoplastic Syndromes, Hereditary; Tumor predisposition; Hereditary neoplastic syndrome. Identifiers: Orphanet 140162, MedGen C0027672, MeSH D009386, MONDO:0015356.

Allele frequency attached by ClinVar (database versions not stated): ExAC 0.00001; gnomAD exomes 0.00001 and 0.00003; gnomAD 0.00006; TOPMed 0.00006; ESP Exome Variant Server 0.00008.
gnomAD v4.1: 27 of 1,613,860 alleles (0.0017%); highest among the groups gnomAD compares: African/African-American, 0.017%; no homozygotes.

Submissions (10):

St. Jude Molecular Pathology, St. Jude Children's Research Hospital
Classification: Uncertain significance for Multiple endocrine neoplasia type 2A. Last evaluated: 2026-10-01. Review status: criteria provided, single submitter. Criteria: St. Jude Assertion Criteria 2020. Collection method: clinical testing. Allele origin: germline.
Comment: The RET c.224C>T p.(Thr75Met) missense change has a maximum subpopulation frequency of 0.02% in gnomAD v2.1.1. The in silico tool REVEL predicts a benign effect on protein function, but to our knowledge this prediction has not been confirmed by functional studies. To our knowledge, this variant has not been reported in the literature in individuals with multiple endocri ne neoplasia type II. In summary, the evidence currently available is insufficient to determine the clinical significance of this variant. It has therefore been classified as of uncertain significance.

GeneDx
Classification: Uncertain significance. Last evaluated: 2025-08-19. Review status: criteria provided, single submitter. Criteria: GeneDx Variant Classification Process June 2021. Collection method: clinical testing. Allele origin: germline. Affected: yes.
Comment: In silico analysis suggests that this missense variant does not alter protein structure/function; Has not been previously published as pathogenic or benign to our knowledge; This variant is associated with the following publications: (PMID: 27535533, Sahin2021[article])

Quest Diagnostics Nichols Institute San Juan Capistrano
Classification: Uncertain significance. Last evaluated: 2025-08-12. Review status: criteria provided, single submitter. Criteria: Quest Diagnostics criteria. Collection method: clinical testing. Allele origin: unknown.

Women's Health and Genetics/Laboratory Corporation of America, LabCorp
Classification: Uncertain significance. Last evaluated: 2025-06-05. Review status: criteria provided, single submitter. Criteria: LabCorp Variant Classification Summary - May 2015. Collection method: clinical testing. Allele origin: germline.
Comment: Variant summary: RET c.224C>T (p.Thr75Met) results in a non-conservative amino acid change in the encoded protein sequence. Algorithms developed to predict the effect of missense changes on protein structure and function are either unavailable or do not agree on the potential impact of this missense change. The variant allele was found at a frequency of 2.8e-05 in 250954 control chromosomes (gnomAD). The available data on variant occurrences in the general population are insufficient to allow any conclusion about variant significance. c.224C>T has been observed in one individual affected with Colorectal cancer (Erdem_2020). The report does not provide unequivocal conclusions about association of the variant with Hirschsprung Disease. To our knowledge, no experimental evidence demonstrating an impact on protein function has been reported. The following publications have been ascertained in the context of this evaluation (PMID: 32283892, 35089076). ClinVar contains an entry for this variant (Variation ID: 569870). Based on the evidence outlined above, the variant was classified as uncertain significance.

Labcorp Genetics (formerly Invitae), Labcorp
Classification: Uncertain significance for Multiple endocrine neoplasia, type 2. Last evaluated: 2024-12-20. Review status: criteria provided, single submitter. Criteria: Invitae Variant Classification Sherloc (09022015). Collection method: clinical testing. Allele origin: germline.
Comment: This sequence change replaces threonine, which is neutral and polar, with methionine, which is neutral and non-polar, at codon 75 of the RET protein (p.Thr75Met). This variant is present in population databases (rs142641173, gnomAD 0.01%). This variant has not been reported in the literature in individuals affected with RET-related conditions. ClinVar contains an entry for this variant (Variation ID: 569870). An algorithm developed to predict the effect of missense changes on protein structure and function (PolyPhen-2) suggests that this variant¬†is likely to be tolerated. In summary, the available evidence is currently insufficient to determine the role of this variant in disease. Therefore, it has been classified as a Variant of Uncertain Significance.

Molecular Pathology, Peter Maccallum Cancer Centre
Classification: Uncertain significance for Multiple endocrine neoplasia, type 2. Last evaluated: 2024-11-21. Review status: criteria provided, single submitter. Criteria: ACMG Guidelines, 2015. Collection method: clinical testing. Allele origin: germline. Inheritance: Autosomal dominant inheritance.

Color Diagnostics, LLC DBA Color Health
Classification: Uncertain significance for Multiple endocrine neoplasia, type 2. Last evaluated: 2024-06-20. Review status: criteria provided, single submitter. Criteria: ACMG Guidelines, 2015. Collection method: clinical testing. Allele origin: germline.
Comment: This missense variant replaces threonine with methionine at codon 75 of the RET protein. Computational prediction suggests that this variant may not impact protein structure and function. To our knowledge, functional studies have not been reported for this variant. This variant has been reported in an individual suspected to be affected with multiple endocrine neoplasia type 2 (doi: 10.5505/aot.2021.25932). This variant has been identified in 10/282298 chromosomes in the general population by the Genome Aggregation Database (gnomAD). The available evidence is insufficient to determine the role of this variant in disease conclusively. Therefore, this variant is classified as a Variant of Uncertain Significance.

Ambry Genetics
Classification: Likely benign for Hereditary cancer-predisposing syndrome. Last evaluated: 2023-07-10. Review status: criteria provided, single submitter. Criteria: Ambry Variant Classification Scheme 2023. Collection method: clinical testing. Allele origin: germline.

Laboratory of Molecular Epidemiology of Birth Defects, West China Second University Hospital, Sichuan University
Classification: Benign for Ovarian cancer. Last evaluated: 2022-01-01. Review status: criteria provided, single submitter. Criteria: ACMG Guidelines, 2015. Collection method: clinical testing. Allele origin: germline. Affected: yes.

Institute for Clinical Genetics, University Hospital TU Dresden, University Hospital TU Dresden
Classification: Uncertain significance. Last evaluated: 2021-11-03. Review status: criteria provided, single submitter. Criteria: ACMG Guidelines, 2015. Collection method: clinical testing. Allele origin: germline.

Literature cited by the submitters: PubMed 32283892 (cited by Women's Health and Genetics/Laboratory Corporation of America, LabCorp and Ambry Genetics); PubMed 35089076 (cited by Women's Health and Genetics/Laboratory Corporation of America, LabCorp).